The following is an entry in ClinVar:

ClinVar aggregate classification (germline): Uncertain significance (1 of 4 stars; one submission).

Conditions:
Perlman syndrome (PRLMNS). Identifiers: Orphanet 2849, MedGen C0796113, MONDO:0009965, OMIM 267000.

Submission:

Labcorp Genetics (formerly Invitae), Labcorp
Classification: Uncertain significance for Perlman syndrome. Last evaluated: 2023-12-22. Review status: criteria provided, single submitter. Criteria: Invitae Variant Classification Sherloc (09022015). Collection method: clinical testing. Allele origin: germline.
Comment: This sequence change replaces glutamic acid, which is acidic and polar, with aspartic acid, which is acidic and polar, at codon 330 of the DIS3L2 protein (p.Glu330Asp). This variant is not present in population databases (gnomAD no frequency). This variant has not been reported in the literature in individuals affected with DIS3L2-related conditions. Advanced modeling of protein sequence and biophysical properties (such as structural, functional, and spatial information, amino acid conservation, physicochemical variation, residue mobility, and thermodynamic stability) performed at Invitae indicates that this missense variant is not expected to disrupt DIS3L2 protein function with a negative predictive value of 80%. In summary, the available evidence is currently insufficient to determine the role of this variant in disease. Therefore, it has been classified as a Variant of Uncertain Significance.

NM_152383.5(DIS3L2):c.990G>T (p.Glu330Asp)

Gene: DIS3L2 (DIS3 like 3'-5' exoribonuclease 2; plus strand). Cytogenetic location: 2q37.1.
Variant type: single nucleotide variant.
Coding change: c.990G>T on transcript NM_152383.5 (MANE Select); coding-DNA position 990, G replaced by T.
Protein change: p.Glu330Asp; replaces glutamic acid 330 with aspartic acid.
Molecular consequence: missense variant. On other transcripts: non-coding transcript variant (2).
Genome position (GRCh38, 1-based): chr2:232,163,498, G>T. VCF-style: chr2-232163498-G-T. GRCh37 (hg19) VCF-style: chr2-233028208-G-T.
Other names: c.990G>T, p.Glu330Asp (NM_001257281.2); short protein forms E330D.
Identifiers: ClinVar variation 2820358 (VCV002820358.3), dbSNP rs2469895500, ClinGen allele CA351154241.